The following is an entry in ClinVar:

ClinVar aggregate classification (germline): Likely pathogenic (1 of 4 stars; one submission).

Allele frequency attached by ClinVar (database versions not stated): ExAC 0.00001; gnomAD 0.00001.
gnomAD v4.1: 1 of 1,612,854 alleles (0.000062%); highest among the groups gnomAD compares: Non-Finnish European, 0.000085%; no homozygotes.

Submission:

Labcorp Genetics (formerly Invitae), Labcorp
Classification: Likely pathogenic. Last evaluated: 2022-10-17. Review status: criteria provided, single submitter. Criteria: Invitae Variant Classification Sherloc (09022015). Collection method: clinical testing. Allele origin: germline.
Comment: This sequence change affects an acceptor splice site in intron 5 of the LARS2 gene. It is expected to disrupt RNA splicing. Variants that disrupt the donor or acceptor splice site typically lead to a loss of protein function (PMID: 16199547), and loss-of-function variants in LARS2 are known to be pathogenic (PMID: 23541342, 30737337). In summary, the currently available evidence indicates that the variant is pathogenic, but additional data are needed to prove that conclusively. Therefore, this variant has been classified as Likely Pathogenic. Algorithms developed to predict the effect of sequence changes on RNA splicing suggest that this variant may disrupt the consensus splice site. This variant has not been reported in the literature in individuals affected with LARS2-related conditions. This variant is present in population databases (rs765621362, gnomAD 0.0009%).

Literature cited by the submitters: PubMed 16199547; PubMed 23541342; PubMed 30737337.

NM_015340.4(LARS2):c.456-2A>G

Gene: LARS2 (leucyl-tRNA synthetase 2, mitochondrial; plus strand). Cytogenetic location: 3p21.31.
Variant type: single nucleotide variant.
Coding change: c.456-2A>G on transcript NM_015340.4 (MANE Select); the canonical splice acceptor site of the intron before coding-DNA position 456, A replaced by G.
Molecular consequence: splice acceptor variant.
Genome position (GRCh38, 1-based): chr3:45,419,667, A>G. VCF-style: chr3-45419667-A-G. GRCh37 (hg19) VCF-style: chr3-45461159-A-G.
Other names: c.456-2A>G (NM_001368263.1).
Identifiers: ClinVar variation 2025840 (VCV002025840.4), dbSNP rs765621362, ClinGen allele CA2349318.